The following is an entry in ClinVar:

NM_000216.4(ANOS1):c.318+1G>C

Gene: ANOS1 (anosmin 1; minus strand). Cytogenetic location: Xp22.31.
Variant type: single nucleotide variant.
Coding change: c.318+1G>C on transcript NM_000216.4 (MANE Select); the canonical splice donor site of the intron after coding-DNA position 318, G replaced by C.
Molecular consequence: splice donor variant.
Genome position (GRCh38, 1-based): chrX:8,623,607, C>G on the plus strand (G>C on the coding strand, the complement: ANOS1 is on the minus strand). VCF-style: chrX-8623607-C-G. GRCh37 (hg19) VCF-style: chrX-8591648-C-G.
Identifiers: ClinVar variation 1519827 (VCV001519827.6), dbSNP rs2146846673, ClinGen allele CA412026899.
Genomic context (GRCh38, chrX:8,623,607, plus strand): 5'-CCCCACGTAAGCATAGTCAGATTTGGGTCAAGTGTTTTAAGTACCACTGACGTTCTCCTA[C>G]CTCACAAAAGCTTTGGCACTGGTGTTTCCTCAGGTCCCCTGATTCCTTGCAGGGCTCCAG-3'

ClinVar aggregate classification (germline): Likely pathogenic (1 of 4 stars; one submission).

Conditions:
Hypogonadotropic hypogonadism 1 with or without anosmia (HH1). Also called: Kallmann syndrome, type 1, X-linked; DYSPLASIA OLFACTOGENITALIS OF DE MORSIER; Hypogonadotropic hypogonadism 1 with or without anosmia (Kallmann syndrome 1); HYPOGONADOTROPIC HYPOGONADISM 1 WITH ANOSMIA; KAL1-Related GnRH Deficiency (Kallmann Syndrome 1; Kallmann Syndrome, X-Linked); HYPOGONADOTROPIC HYPOGONADISM AND ANOSMIA. Identifiers: Orphanet 478, MedGen C1563719, MONDO:0010635, OMIM 308700. Disease mechanism: loss of function.

Submission:

Labcorp Genetics (formerly Invitae), Labcorp
Classification: Likely pathogenic for Hypogonadotropic hypogonadism 1 with or without anosmia. Last evaluated: 2021-08-17. Review status: criteria provided, single submitter. Criteria: Invitae Variant Classification Sherloc (09022015). Collection method: clinical testing. Allele origin: germline.
Comment: Algorithms developed to predict the effect of sequence changes on RNA splicing suggest that this variant may disrupt the consensus splice site. In summary, the currently available evidence indicates that the variant is pathogenic, but additional data are needed to prove that conclusively. Therefore, this variant has been classified as Likely Pathogenic. Disruption of this splice site has been observed in individual(s) with Kallmann syndrome (PMID: 25064402). This variant is not present in population databases (ExAC no frequency). This sequence change affects a donor splice site in intron 3 of the ANOS1 gene. It is expected to disrupt RNA splicing. Variants that disrupt the donor or acceptor splice site typically lead to a loss of protein function (PMID: 16199547), and loss-of-function variants in ANOS1 are known to be pathogenic (PMID: 8504298, 11297579).

Literature cited by the submitters: PubMed 25064402; PubMed 16199547; PubMed 8504298; PubMed 11297579.